The following is an entry in ClinVar:

NM_000051.4(ATM):c.2226G>A (p.Lys742=)

Gene: ATM (ATM serine/threonine kinase; plus strand). Cytogenetic location: 11q22.3.
Variant type: single nucleotide variant.
Coding change: c.2226G>A on transcript NM_000051.4 (MANE Select); coding-DNA position 2226, G replaced by A.
Protein change: p.Lys742=; no amino-acid change (lysine 742 retained).
Molecular consequence: synonymous variant.
Genome position (GRCh38, 1-based): chr11:108,256,316, G>A. VCF-style: chr11-108256316-G-A. GRCh37 (hg19) VCF-style: chr11-108127043-G-A.
Other names: c.2226G>A, p.Lys742= (NM_001351834.2).
Identifiers: ClinVar variation 3254170 (VCV003254170.1), dbSNP rs2080482083.

ClinVar aggregate classification (germline): Benign (1 of 4 stars; one submission).

Conditions:
Familial cancer of breast. Also called: BREAST CANCER, FAMILIAL; Hereditary breast cancer; hereditary breast carcinoma. Identifiers: Orphanet 227535, MedGen C0346153, MONDO:0016419, OMIM 114480. Disease mechanism: loss of function.

Submission:

Myriad Genetics, Inc.
Classification: Benign for Familial cancer of breast. Last evaluated: 2024-05-07. Review status: criteria provided, single submitter. Criteria: Myriad Autosomal Dominant, Autosomal Recessive and X-Linked Classification Criteria (2023). Collection method: clinical testing. Allele origin: unknown.
Comment: This variant is considered benign. This variant is a silent/synonymous amino acid change and it is not expected to impact splicing.